The following is an entry in ClinVar:

ClinVar aggregate classification (germline): Uncertain significance (1 of 4 stars; one submission).

Conditions:
Long QT syndrome (LQTS). Identifiers: MedGen C0023976, MeSH D008133, MONDO:0002442. Disease mechanism: loss of function. Inheritance: Various modes of inheritance.

Allele frequency attached by ClinVar (database versions not stated): gnomAD exomes below 0.00001; TOPMed below 0.00001; gnomAD 0.00001.
gnomAD v4.1: 5 of 1,613,906 alleles (0.00031%); highest among the groups gnomAD compares: Non-Finnish European, 0.00042%; 1 homozygote.

Submission:

Labcorp Genetics (formerly Invitae), Labcorp
Classification: Uncertain significance for Long QT syndrome. Last evaluated: 2020-01-22. Review status: criteria provided, single submitter. Criteria: Invitae Variant Classification Sherloc (09022015). Collection method: clinical testing. Allele origin: germline.
Comment: Algorithms developed to predict the effect of missense changes on protein structure and function (SIFT, PolyPhen-2, Align-GVGD) all suggest that this variant is likely to be tolerated, but these predictions have not been confirmed by published functional studies and their clinical significance is uncertain. In summary, the available evidence is currently insufficient to determine the role of this variant in disease. Therefore, it has been classified as a Variant of Uncertain Significance. This variant has not been reported in the literature in individuals with ANK2-related conditions. This sequence change replaces histidine with leucine at codon 1866 of the ANK2 protein (p.His1866Leu). The histidine residue is weakly conserved and there is a moderate physicochemical difference between histidine and leucine. This variant is not present in population databases (ExAC no frequency).

NM_001148.6(ANK2):c.5597A>T (p.His1866Leu)

Genes: ANK2 (ankyrin 2; plus strand), LOC126807136 (MED14-independent group 3 enhancer GRCh37_chr4:114274931-114276130; plus strand). Cytogenetic location: 4q26.
Variant type: single nucleotide variant.
Coding change: c.5597A>T on transcript NM_001148.6 (MANE Select); coding-DNA position 5597, A replaced by T.
Protein change: p.His1866Leu; replaces histidine 1866 with leucine.
Molecular consequence: missense variant. On other transcripts: intron variant (68).
Genome position (GRCh38, 1-based): chr4:113,354,215, A>T. VCF-style: chr4-113354215-A-T. GRCh37 (hg19) VCF-style: chr4-114275371-A-T.
Other names: c.5363A>T, p.His1788Leu (NM_001386142.1); c.1997A>T, p.His666Leu (NM_001386166.1); c.5738A>T, p.His1913Leu (NM_001386174.1); c.5714A>T, p.His1905Leu (NM_001386175.1); c.4411+3966A>T (NM_001386186.2, NM_001386148.2); c.4213+3966A>T (NM_001354269.3); c.4291+3966A>T (NM_001386187.2); c.4252+3966A>T (NM_001386147.1); and 35 more; short protein forms H1788L, H1866L, H1905L, H1913L, H666L.
Identifiers: ClinVar variation 1009910 (VCV001009910.5), dbSNP rs2095596617, ClinGen allele CA357920404.
Genomic context (GRCh38, chr4:113,354,215, plus strand): 5'-CACCATCAAGTAAAACTGAGAAACACTCACCTGTGTCACCCTCTGCAAAAACGGAAAGAC[A>T]TTCACCTGCGTCATCATCGAGTAAAACTGAGAAACACTCACCTGTATCACCCTCGACAAA-3'
Protein context (NP_001139.3, residues 1856-1876): PVSPSAKTER[His1866Leu]SPASSSSKTE